The following is an entry in ClinVar:

NM_000128.4(F11):c.1084G>A (p.Gly362Arg)

Gene: F11 (coagulation factor XI; plus strand). Cytogenetic location: 4q35.2.
Variant type: single nucleotide variant.
Coding change: c.1084G>A on transcript NM_000128.4 (MANE Select); coding-DNA position 1084, G replaced by A.
Protein change: p.Gly362Arg; replaces glycine 362 with arginine.
Molecular consequence: missense variant.
Genome position (GRCh38, 1-based): chr4:186,280,529, G>A. VCF-style: chr4-186280529-G-A. GRCh37 (hg19) VCF-style: chr4-187201683-G-A.
Other names: short protein forms G362R.
Identifiers: ClinVar variation 555420 (VCV000555420.3), dbSNP rs142096488, ClinGen allele CA3163873.

ClinVar aggregate classification (germline): Uncertain significance. Review status: criteria provided, single submitter (1 of 4 stars). 2 submissions from 2 submitters: Uncertain significance (1). 1 of the submissions does not count toward it. Last evaluated 2026-02-20.

Conditions:
F11-related disorder. Also called: F11-related condition.
Hereditary factor XI deficiency disease. Also called: Congenital factor XI deficiency; PLASMA THROMBOPLASTIN ANTECEDENT DEFICIENCY; PTA DEFICIENCY; ROSENTHAL SYNDROME. Identifiers: Orphanet 329, MedGen C0015523, MeSH D005173, MONDO:0012897, OMIM 612416.

Allele frequency attached by ClinVar (database versions not stated): ExAC 0.00005; gnomAD exomes 0.00005; ESP Exome Variant Server 0.00015; gnomAD 0.00026 and 0.00028; TOPMed 0.00034.

Submissions (2):

PreventionGenetics, part of Exact Sciences
Classification: Uncertain significance for F11-related condition. Last evaluated: 2026-02-20. Review status: criteria provided, single submitter. Criteria: ACMG Guidelines, 2015. Collection method: clinical testing. Allele origin: germline.
Comment: The F11 c.1084G>A variant is predicted to result in the amino acid substitution p.Gly362Arg. This variant was reported in an individual with factor XI deficiency (Mitchell et al. 2006. PubMed ID: 16835901). This variant is reported in 0.064% of alleles in individuals of African descent in gnomAD. At this time, the clinical significance of this variant is uncertain due to the absence of conclusive functional and genetic evidence.

Counsyl
Classification: Uncertain significance for Hereditary factor XI deficiency disease. Last evaluated: 2017-12-07. Review status: no assertion criteria provided. Collection method: clinical testing. Allele origin: unknown. Not counted in ClinVar's aggregate classification.

Literature cited by the submitters: PubMed 16835901 (cited by Counsyl); PubMed 19652879 (cited by Counsyl).